The following is an entry in ClinVar:

NM_007294.4(BRCA1):c.5490A>G (p.Ala1830=)

Gene: BRCA1 (BRCA1 DNA repair associated; minus strand). Cytogenetic location: 17q21.31.
Variant type: single nucleotide variant.
Coding change: c.5490A>G on transcript NM_007294.4 (MANE Select); coding-DNA position 5490, A replaced by G.
Protein change: p.Ala1830=; no amino-acid change (alanine 1830 retained).
Molecular consequence: synonymous variant. On other transcripts: 3 prime UTR variant (17).
Genome position (GRCh38, 1-based): chr17:43,045,780, T>C on the plus strand (A>G on the coding strand, the complement: BRCA1 is on the minus strand). VCF-style: chr17-43045780-T-C. GRCh37 (hg19) VCF-style: chr17-41197797-T-C.
Other names: c.5277A>G, p.Ala1759= (NM_001407571.1, NM_001407894.1, NM_001407895.1 and 12 more transcripts); c.5556A>G, p.Ala1852= (NM_001407581.1, NM_001407582.1); c.5553A>G, p.Ala1851= (NM_001407583.1, NM_001407585.1, NM_001407587.1 and 1 more transcripts); c.5550A>G, p.Ala1850= (NM_001407590.1, NM_001407591.1); c.5490A>G, p.Ala1830= (NM_001407593.1, NM_001407594.1, NM_001407596.1 and 5 more transcripts); c.5487A>G, p.Ala1829= (NM_001407610.1, NM_001407611.1, NM_001407612.1 and 14 more transcripts); c.5484A>G, p.Ala1828= (NM_001407627.1, NM_001407628.1, NM_001407629.1 and 13 more transcripts); c.5481A>G, p.Ala1827= (NM_001407644.1, NM_001407645.1); and 74 more.
Identifiers: ClinVar variation 864936 (VCV000864936.3), dbSNP rs2050883369, ClinGen allele CA500142941.

Conditions:
Breast-ovarian cancer, familial, susceptibility to, 1 (BROVCA1). Also called: BRCA1 Hereditary Breast and Ovarian Cancer; OVARIAN CANCER, SUSCEPTIBILITY TO. Identifiers: Orphanet 145, MedGen C2676676, MONDO:0011450, OMIM 604370. Disease mechanism: loss of function.

Submission:

Brotman Baty Institute, University of Washington
No classification provided (evidence only). Condition: Breast-ovarian cancer, familial 1. Review status: no classification provided. Collection method: in vitro. Allele origin: not applicable. Functional consequence: functionally_normal.
ClinVar note: "not provided" was previously submitted as the classification for the variant. However, the classification appeared to be based only on an observation of functional data so it was converted to no classification on 2025-07-30.